The following is an entry in ClinVar:

ClinVar aggregate classification (germline): Uncertain significance (0 of 4 stars; one submission).

Conditions:
FECH-related disorder. Also called: FECH-related condition.

Submission:

PreventionGenetics, part of Exact Sciences
Classification: Uncertain significance for FECH-related condition. Last evaluated: 2024-09-18. Review status: no assertion criteria provided. Collection method: clinical testing. Allele origin: germline.
Comment: The FECH c.808G>T variant is predicted to result in the amino acid substitution p.Val270Phe. To our knowledge, this variant has not been reported in the literature or in gnomAD, indicating this variant is rare. At this time, the clinical significance of this variant is uncertain due to the absence of conclusive functional and genetic evidence.

NM_000140.5(FECH):c.808G>T (p.Val270Phe)

Gene: FECH (ferrochelatase; minus strand). Cytogenetic location: 18q21.31.
Variant type: single nucleotide variant.
Coding change: c.808G>T on transcript NM_000140.5 (MANE Select); coding-DNA position 808, G replaced by T.
Protein change: p.Val270Phe; replaces valine 270 with phenylalanine.
Molecular consequence: missense variant.
Genome position (GRCh38, 1-based): chr18:57,554,949, C>A on the plus strand (G>T on the coding strand, the complement: FECH is on the minus strand). VCF-style: chr18-57554949-C-A. GRCh37 (hg19) VCF-style: chr18-55222181-C-A.
Other names: c.826G>T, p.Val276Phe (NM_001012515.4); c.709G>T, p.Val237Phe (NM_001371094.1); c.592G>T, p.Val198Phe (NM_001371095.1); c.808G>T, p.Val270Phe (NM_001374778.1); short protein forms V198F, V237F, V270F, V276F.
Identifiers: ClinVar variation 3357028 (VCV003357028.1).
Genomic context (GRCh38, chr18:57,554,949, plus strand): 5'-TTTCCATGACTTTTTGGACAGTGGCGCTTACCTCCTGAGGATATGGGTCGCCTCTGTTGA[C>A]CACCTGCAGCAGAGACACAATGGGTGTTCAGCCATTAACACTGGGAAGGCCCCGAGAGCC-3'
Protein context (NP_000131.2, residues 260-280): FSAHSLPMSV[Val270Phe]NRGDPYPQEV